The following is an entry in ClinVar:

ClinVar aggregate classification (germline): Uncertain significance (1 of 4 stars; one submission).

Conditions:
Charcot-Marie-Tooth Neuropathy X. Identifiers: MedGen CN118851.

Submission:

Labcorp Genetics (formerly Invitae), Labcorp
Classification: Uncertain significance for Charcot-Marie-Tooth Neuropathy X. Last evaluated: 2025-11-10. Review status: criteria provided, single submitter. Criteria: Invitae Variant Classification Sherloc (09022015). Collection method: clinical testing. Allele origin: germline.
Comment: This sequence change replaces valine, which is neutral and non-polar, with leucine, which is neutral and non-polar, at codon 84 of the GJB1 protein (p.Val84Leu). This variant is not present in population databases (gnomAD no frequency). This missense change has been observed in individual(s) with clinical features of GJB1-related conditions (internal data). Invitae Evidence Modeling of protein sequence and biophysical properties (such as structural, functional, and spatial information, amino acid conservation, physicochemical variation, residue mobility, and thermodynamic stability) has been performed for this missense variant. However, the output from this modeling did not meet the statistical confidence thresholds required to predict the impact of this variant on GJB1 protein function. This variant disrupts the p.Val84 amino acid residue in GJB1. Other variant(s) that disrupt this residue have been observed in individuals with GJB1-related conditions (PMID: 23011429, 37284795; internal data), which suggests that this may be a clinically significant amino acid residue. In summary, the available evidence is currently insufficient to determine the role of this variant in disease. Therefore, it has been classified as a Variant of Uncertain Significance.

Literature cited by the submitters: PubMed 23011429; PubMed 37284795.

NM_000166.6(GJB1):c.250G>C (p.Val84Leu)

Gene: GJB1 (gap junction protein beta 1; plus strand). Cytogenetic location: Xq13.1.
Variant type: single nucleotide variant.
Coding change: c.250G>C on transcript NM_000166.6 (MANE Select); coding-DNA position 250, G replaced by C.
Protein change: p.Val84Leu; replaces valine 84 with leucine.
Molecular consequence: missense variant.
Genome position (GRCh38, 1-based): chrX:71,223,957, G>C. VCF-style: chrX-71223957-G-C. GRCh37 (hg19) VCF-style: chrX-70443807-G-C.
Other names: c.250G>C, p.Val84Leu (NM_001097642.3, NM_001440770.1); short protein forms V84L.
Identifiers: ClinVar variation 4710057 (VCV004710057.1).